The following is an entry in ClinVar:

ClinVar aggregate classification (germline): Uncertain significance (1 of 4 stars; one submission).

Conditions:
Dilated cardiomyopathy 1O (CMD1O). Also called: CARDIOMYOPATHY, DILATED, WITH VENTRICULAR TACHYCARDIA. Identifiers: Orphanet 154, MedGen C1837839, MONDO:0012062, OMIM 608569.

gnomAD v4.1: 2 of 1,613,762 alleles (0.00012%); highest among the groups gnomAD compares: African/African-American, 0.0013%; no homozygotes.

Submission:

Labcorp Genetics (formerly Invitae), Labcorp
Classification: Uncertain significance for Dilated cardiomyopathy 1O. Last evaluated: 2024-09-14. Review status: criteria provided, single submitter. Criteria: Invitae Variant Classification Sherloc (09022015). Collection method: clinical testing. Allele origin: germline.
Comment: This sequence change replaces methionine, which is neutral and non-polar, with threonine, which is neutral and polar, at codon 967 of the ABCC9 protein (p.Met967Thr). This variant is not present in population databases (gnomAD no frequency). This variant has not been reported in the literature in individuals affected with ABCC9-related conditions. Invitae Evidence Modeling of protein sequence and biophysical properties (such as structural, functional, and spatial information, amino acid conservation, physicochemical variation, residue mobility, and thermodynamic stability) indicates that this missense variant is not expected to disrupt ABCC9 protein function with a negative predictive value of 80%. In summary, the available evidence is currently insufficient to determine the role of this variant in disease. Therefore, it has been classified as a Variant of Uncertain Significance.

NM_020297.4(ABCC9):c.2900T>C (p.Met967Thr)

Gene: ABCC9 (ATP binding cassette subfamily C member 9; minus strand). Cytogenetic location: 12p12.1.
Variant type: single nucleotide variant.
Coding change: c.2900T>C on transcript NM_020297.4 (MANE Select); coding-DNA position 2900, T replaced by C.
Protein change: p.Met967Thr; replaces methionine 967 with threonine.
Molecular consequence: missense variant.
Genome position (GRCh38, 1-based): chr12:21,845,799, A>G on the plus strand (T>C on the coding strand, the complement: ABCC9 is on the minus strand). VCF-style: chr12-21845799-A-G. GRCh37 (hg19) VCF-style: chr12-21998733-A-G.
Other names: c.2900T>C, p.Met967Thr (NM_001377273.1, NM_005691.4); c.2033T>C, p.Met678Thr (NM_001377274.1); short protein forms M678T, M967T.
Identifiers: ClinVar variation 2891943 (VCV002891943.3), dbSNP rs1944630867, ClinGen allele CA384120543.